The following is an entry in ClinVar:

NM_001005373.4(LRSAM1):c.*5T>A

Gene: LRSAM1 (leucine rich repeat and sterile alpha motif containing 1; plus strand). Cytogenetic location: 9q34.11.
Variant type: single nucleotide variant.
Coding change: c.*5T>A on transcript NM_001005373.4 (MANE Select); 5 bases downstream of the stop codon, T replaced by A.
Molecular consequence: 3 prime UTR variant. On other transcripts: non-coding transcript variant (2).
Genome position (GRCh38, 1-based): chr9:127,502,904, T>A. VCF-style: chr9-127502904-T-A. GRCh37 (hg19) VCF-style: chr9-130265183-T-A.
Other names: c.*5T>A (NM_001005374.4, NM_001190723.3, NM_001384142.1 and 3 more transcripts).
Identifiers: ClinVar variation 1207543 (VCV001207543.4), dbSNP rs1447674725, ClinGen allele CA590596297.
Genomic context (GRCh38, chr9:127,502,904, plus strand): 5'-GCCCGCTGTGCCGCCAGGACATCGCCCAGCGCCTCCGCATCTACCACAGCAGCTGAGTGC[T>A]GCCCGCCCACCTGGGCCTGGTCCTAGCCCTGCCTCGGCCACTGTGAGCCCCGGGCTCCTG-3'

ClinVar aggregate classification (germline): Likely benign. Review status: criteria provided, multiple submitters, no conflicts (2 of 4 stars). 2 submissions from 2 submitters: Likely benign (2). Last evaluated 2026-01-27.

Conditions:
LRSAM1-related disorder. Also called: LRSAM1-related condition.

Allele frequency attached by ClinVar (database versions not stated): gnomAD exomes 0.00001; TOPMed 0.00003; gnomAD 0.00004.
gnomAD v4.1: 13 of 1,591,880 alleles (0.00082%); highest among the groups gnomAD compares: African/African-American, 0.004%; no homozygotes.

Submissions (2):

PreventionGenetics, part of Exact Sciences
Classification: Likely benign for LRSAM1-related condition. Last evaluated: 2026-01-27. Review status: criteria provided, single submitter. Criteria: ACMG Guidelines, 2015. Collection method: clinical testing. Allele origin: germline.
Comment: This variant is classified as likely benign based on ACMG/AMP sequence variant interpretation guidelines (Richards et al. 2015 PMID: 25741868, with internal and published modifications).

GeneDx
Classification: Likely benign. Last evaluated: 2020-09-22. Review status: criteria provided, single submitter. Criteria: GeneDx Variant Classification Process June 2021. Collection method: clinical testing. Allele origin: germline. Affected: yes.